The following is an entry in ClinVar:

ClinVar aggregate classification (germline): Benign/Likely benign. Review status: criteria provided, multiple submitters, no conflicts (2 of 4 stars). 14 submissions from 13 submitters: Benign (9); Likely benign (2). 3 of the submissions do not count toward it. Last evaluated 2026-06-01.

Conditions:
DNM2-related disorder. Also called: DNM2-related condition.
Charcot-Marie-Tooth disease dominant intermediate B (CMTDIB). Also called: CHARCOT-MARIE-TOOTH NEUROPATHY, DOMINANT INTERMEDIATE B; Charcot-Marie-Tooth disease dominant intermediate 1; CMT DI1; Charcot-Marie-Tooth disease dominant intermediate I. Identifiers: Orphanet 100044, Orphanet 228179, MedGen C1847902, MONDO:0011674, OMIM 606482.
Autosomal dominant centronuclear myopathy. Also called: MYOTUBULAR MYOPATHY, AUTOSOMAL DOMINANT; Myopathy, centronuclear, 3. Identifiers: Orphanet 169189, MedGen C4551952, MeSH D020914, MONDO:0008048, OMIM 160150.
Fetal akinesia-cerebral and retinal hemorrhage syndrome. Also called: MYOPATHY, CENTRONUCLEAR, LETHAL, AUTOSOMAL RECESSIVE; Lethal congenital contracture syndrome 5. Identifiers: Orphanet 363409, MedGen C4706410, MONDO:0014149, OMIM 615368.

Allele frequency attached by ClinVar (database versions not stated): 1000 Genomes Project 0.00120; 1000 Genomes Project 30x 0.00125; ESP Exome Variant Server 0.00323; TOPMed 0.00339; gnomAD 0.00348 and 0.00364; ExAC 0.00360; gnomAD exomes 0.00361 and 0.00489.
gnomAD v4.1: 7,639 of 1,606,916 alleles (0.48%); highest among the groups gnomAD compares: Non-Finnish European, 0.55%; 36 homozygotes.

Submissions (14):

CeGaT Center for Human Genetics Tuebingen
Classification: Likely benign. Last evaluated: 2026-06-01. Review status: criteria provided, single submitter. Criteria: CeGaT Center For Human Genetics Tuebingen Variant Classification Criteria Version 2. Collection method: clinical testing. Allele origin: germline. Affected: yes. Observed: 32 variant alleles.
Comment: DNM2: BP4, BS2

Labcorp Genetics (formerly Invitae), Labcorp
Classification: Benign for Charcot-Marie-Tooth disease dominant intermediate B. Last evaluated: 2026-02-03. Review status: criteria provided, single submitter. Criteria: Invitae Variant Classification Sherloc (09022015). Collection method: clinical testing. Allele origin: germline.

Fulgent Genetics
Classification: Benign for Autosomal dominant centronuclear myopathy; Charcot-Marie-Tooth disease dominant intermediate B; Fetal akinesia-cerebral and retinal hemorrhage syndrome. Last evaluated: 2022-03-11. Review status: criteria provided, single submitter. Criteria: ACMG Guidelines, 2015. Collection method: clinical testing. Allele origin: unknown.

Mayo Clinic Laboratories, Mayo Clinic
Classification: Benign. Last evaluated: 2022-02-25. Review status: criteria provided, single submitter. Criteria: ACMG Guidelines, 2015. Collection method: clinical testing. Allele origin: germline. Observed: 21 variant alleles.
Comment: BS1, BS2, BP4

ARUP Laboratories, Molecular Genetics and Genomics, ARUP Laboratories
Classification: Benign. Last evaluated: 2019-07-25. Review status: criteria provided, single submitter. Criteria: ARUP Molecular Germline Variant Investigation Process. Collection method: clinical testing. Allele origin: germline.

Athena Diagnostics
Classification: Benign. Last evaluated: 2018-03-26. Review status: criteria provided, single submitter. Criteria: Athena Diagnostics Criteria. Collection method: clinical testing. Allele origin: germline.

Illumina Laboratory Services, Illumina
Classification: Benign for Autosomal dominant centronuclear myopathy. Last evaluated: 2018-01-12. Review status: criteria provided, single submitter. Criteria: ICSL Variant Classification Criteria 13 December 2019. Collection method: clinical testing. Allele origin: germline.
Comment: This variant was observed in the ICSL laboratory as part of a predisposition screen in an ostensibly healthy population. It had not been previously curated by ICSL or reported in the Human Gene Mutation Database (HGMD: prior to June 1st, 2018), and was therefore a candidate for classification through an automated scoring system. Utilizing variant allele frequency, disease prevalence and penetrance estimates, and inheritance mode, an automated score was calculated to assess if this variant is too frequent to cause the disease. Based on the score and internal cut-off values, a variant classified as benign is not then subjected to further curation. The score for this variant resulted in a classification of benign for this disease.

Illumina Laboratory Services, Illumina
Classification: Benign for Charcot-Marie-Tooth disease dominant intermediate B. Last evaluated: 2018-01-12. Review status: criteria provided, single submitter. Criteria: ICSL Variant Classification Criteria 13 December 2019. Collection method: clinical testing. Allele origin: germline.
Comment: the same text as in the submission from Illumina Laboratory Services, Illumina above.

GeneDx
Classification: Benign. Last evaluated: 2015-03-03. Review status: criteria provided, single submitter. Criteria: GeneDx Variant Classification Process June 2021. Collection method: clinical testing. Allele origin: germline. Affected: yes.

Eurofins Ntd Llc (ga)
Classification: Benign. Last evaluated: 2015-02-18. Review status: criteria provided, single submitter. Criteria: EGL Classification Definitions 2015. Collection method: clinical testing. Allele origin: germline. Observed: 1 variant allele, 1 heterozygote.

Genetic Services Laboratory, University of Chicago
Classification: Likely benign. Last evaluated: 2013-02-08. Review status: criteria provided, single submitter. Criteria: ACMG Guidelines, 2007. Collection method: clinical testing. Allele origin: germline. Inheritance: Autosomal dominant inheritance.

PreventionGenetics, part of Exact Sciences
Classification: Benign for DNM2-related condition. Last evaluated: 2021-08-25. Review status: no assertion criteria provided. Collection method: clinical testing. Allele origin: germline. Not counted in ClinVar's aggregate classification.
Comment: This variant is classified as benign based on ACMG/AMP sequence variant interpretation guidelines (Richards et al. 2015 PMID: 25741868, with internal and published modifications).

Clinical Genetics, Academic Medical Center
Classification: Likely benign. Review status: no assertion criteria provided. Collection method: clinical testing. Allele origin: germline. Affected: yes. Study: VKGL Data-share Consensus. Not counted in ClinVar's aggregate classification.

Genome Diagnostics Laboratory, University Medical Center Utrecht
Classification: Likely benign. Review status: no assertion criteria provided. Collection method: clinical testing. Allele origin: germline. Affected: yes. Study: VKGL Data-share Consensus. Not counted in ClinVar's aggregate classification.

NM_001005361.3(DNM2):c.2543+7C>G

Gene: DNM2 (dynamin 2; plus strand). Cytogenetic location: 19p13.2.
Variant type: single nucleotide variant.
Coding change: c.2543+7C>G on transcript NM_001005361.3 (MANE Select); 7 bases into the intron after coding-DNA position 2543, C replaced by G.
Molecular consequence: intron variant.
Genome position (GRCh38, 1-based): chr19:10,830,385, C>G. VCF-style: chr19-10830385-C-G. GRCh37 (hg19) VCF-style: chr19-10941061-C-G.
Other names: p.?; c.2543+7C>G (NM_001005360.3, NM_001190716.2); c.2531+7C>G (NM_004945.4, NM_001005362.3).
Identifiers: ClinVar variation 158527 (VCV000158527.75), dbSNP rs201979143, ClinGen allele CA172133.